The following is an entry in ClinVar:

NM_000051.4(ATM):c.7190A>T (p.Gln2397Leu)

Genes: C11orf65 (chromosome 11 open reading frame 65; minus strand), ATM (ATM serine/threonine kinase; plus strand). Cytogenetic location: 11q22.3.
Variant type: single nucleotide variant.
Coding change: c.7190A>T on transcript NM_000051.4 (MANE Select); coding-DNA position 7190, A replaced by T.
Protein change: p.Gln2397Leu; replaces glutamine 2397 with leucine.
Molecular consequence: missense variant. On other transcripts: intron variant (2).
Genome position (GRCh38, 1-based): chr11:108,329,121, A>T. VCF-style: chr11-108329121-A-T. GRCh37 (hg19) VCF-style: chr11-108199848-A-T.
Other names: c.*38+6099T>A (NM_001351110.2); c.7190A>T, p.Gln2397Leu (NM_001351834.2); c.641-20050T>A (NM_001330368.2); short protein forms Q2397L.
Identifiers: ClinVar variation 1485258 (VCV001485258.8), dbSNP rs1060501592, ClinGen allele CA382559589.

ClinVar aggregate classification (germline): Uncertain significance (1 of 4 stars; one submission).

Conditions:
Ataxia-telangiectasia syndrome (AT). Also called: LOUIS-BAR SYNDROME; Cerebello-oculocutaneous telangiectasia; Immunodeficiency with ataxia telangiectasia; Ataxia telangiectasia (A-T); Ataxia-telangiectasia, complementation group D; AT, COMPLEMENTATION GROUP C. Identifiers: Orphanet 100, MedGen C0004135, MONDO:0008840, OMIM 208900.

Submission:

Labcorp Genetics (formerly Invitae), Labcorp
Classification: Uncertain significance for Ataxia-telangiectasia syndrome. Last evaluated: 2023-05-17. Review status: criteria provided, single submitter. Criteria: Invitae Variant Classification Sherloc (09022015). Collection method: clinical testing. Allele origin: germline.
Comment: In summary, the available evidence is currently insufficient to determine the role of this variant in disease. Therefore, it has been classified as a Variant of Uncertain Significance. An algorithm developed to predict the effect of missense changes on protein structure and function (PolyPhen-2) suggests that this variant is likely to be disruptive. ClinVar contains an entry for this variant (Variation ID: 1485258). This variant has not been reported in the literature in individuals affected with ATM-related conditions. This variant is not present in population databases (gnomAD no frequency). This sequence change replaces glutamine, which is neutral and polar, with leucine, which is neutral and non-polar, at codon 2397 of the ATM protein (p.Gln2397Leu).